The following is an entry in ClinVar:

NM_014363.6(SACS):c.7981A>G (p.Ile2661Val)

Gene: SACS (sacsin molecular chaperone; minus strand). Cytogenetic location: 13q12.12.
Variant type: single nucleotide variant.
Coding change: c.7981A>G on transcript NM_014363.6 (MANE Select); coding-DNA position 7981, A replaced by G.
Protein change: p.Ile2661Val; replaces isoleucine 2661 with valine.
Molecular consequence: missense variant.
Genome position (GRCh38, 1-based): chr13:23,335,895, T>C on the plus strand (A>G on the coding strand, the complement: SACS is on the minus strand). VCF-style: chr13-23335895-T-C. GRCh37 (hg19) VCF-style: chr13-23910034-T-C.
Other names: c.7540A>G, p.Ile2514Val (NM_001278055.2); short protein forms I2661V, I2514V.
Identifiers: ClinVar variation 458275 (VCV000458275.9), dbSNP rs1269342975, ClinGen allele CA387517648.
Genomic context (GRCh38, chr13:23,335,895, plus strand): 5'-CATCTGAGAACTGTGTCCTAAAATCTGCATCCAAATCTCTAAACATGCGTCCGGGACTAA[T>C]GGATGTGGCCCCTGGTGCATATCTGGCATGAGGATCAAAAATACACAGGATGTCATTGCC-3'
Protein context (NP_055178.3, residues 2651-2671): HARYAPGATS[Ile2661Val]SPGRMFRDLD

ClinVar aggregate classification (germline): Uncertain significance. Review status: criteria provided, single submitter (1 of 4 stars). 2 submissions from 2 submitters: Uncertain significance (1). 1 of the submissions does not count toward it. Last evaluated 2020-02-12.

Conditions:
Spastic paraplegia. Identifiers: MedGen C0037772, HP:0001258.
Charlevoix-Saguenay spastic ataxia (SACS). Also called: Spastic ataxia of Charlevoix-Saguenay; SPASTIC ATAXIA 6, AUTOSOMAL RECESSIVE; AUTOSOMAL RECESSIVE SPASTIC ATAXIA OF CHARLEVOIX-SAGUENAY. Identifiers: Orphanet 98, MedGen C1849140, MONDO:0010041, OMIM 270550.

Allele frequency attached by ClinVar (database versions not stated): TOPMed below 0.00001; gnomAD 0.00001.
gnomAD v4.1: 1 of 1,613,480 alleles (0.000062%); highest among the groups gnomAD compares: Non-Finnish European, 0.000085%; no homozygotes.

Submissions (2):

Labcorp Genetics (formerly Invitae), Labcorp
Classification: Uncertain significance for Spastic paraplegia. Last evaluated: 2020-02-12. Review status: criteria provided, single submitter. Criteria: Invitae Variant Classification Sherloc (09022015). Collection method: clinical testing. Allele origin: germline.
Comment: This sequence change replaces isoleucine with valine at codon 2661 of the SACS protein (p.Ile2661Val). The isoleucine residue is weakly conserved and there is a small physicochemical difference between isoleucine and valine. This variant is not present in population databases (ExAC no frequency). This variant has not been reported in the literature in individuals with SACS-related disease. Algorithms developed to predict the effect of missense changes on protein structure and function output the following: SIFT: "Tolerated"; PolyPhen-2: "Benign"; Align-GVGD: "Class C0". The valine amino acid residue is found in multiple mammalian species, suggesting that this missense change does not adversely affect protein function. These predictions have not been confirmed by published functional studies and their clinical significance is uncertain. In summary, the available evidence is currently insufficient to determine the role of this variant in disease. Therefore, it has been classified as a Variant of Uncertain Significance.

Natera, Inc.
Classification: Uncertain significance for Charlevoix-Saguenay type spastic ataxia. Last evaluated: 2021-06-09. Review status: no assertion criteria provided. Collection method: clinical testing. Allele origin: germline. Not counted in ClinVar's aggregate classification.